The following is an entry in ClinVar:

ClinVar aggregate classification (germline): Likely benign. Review status: criteria provided, multiple submitters, no conflicts (2 of 4 stars). 3 submissions from 3 submitters: Likely benign (3). Last evaluated 2026-07-31.

Conditions:
Familial colorectal cancer type X. Identifiers: Orphanet 440437, MedGen C3896578, MONDO:0018604.

Allele frequency attached by ClinVar (database versions not stated): gnomAD exomes 0.00002 and 0.00001; TOPMed 0.00003; ExAC 0.00001; gnomAD 0.00003.
gnomAD v4.1: 27 of 1,602,820 alleles (0.0017%); highest among the groups gnomAD compares: East Asian, 0.016%; no homozygotes.

Submissions (3):

Myriad Genetics, Inc.
Classification: Likely benign for Familial colorectal cancer type X. Last evaluated: 2026-07-31. Review status: criteria provided, single submitter. Criteria: Myriad Autosomal Dominant, Autosomal Recessive and X-Linked Classification Criteria (2023). Collection method: clinical testing. Allele origin: unknown.
Comment: This variant is considered likely benign. This variant is intronic and is not expected to impact mRNA splicing.

Center for Genomic Medicine, Rigshospitalet, Copenhagen University Hospital
Classification: Likely benign. Last evaluated: 2025-03-04. Review status: criteria provided, single submitter. Criteria: ACMG Guidelines, 2015. Collection method: clinical testing. Allele origin: germline.

Labcorp Genetics (formerly Invitae), Labcorp
Classification: Likely benign. Last evaluated: 2024-08-05. Review status: criteria provided, single submitter. Criteria: Invitae Variant Classification Sherloc (09022015). Collection method: clinical testing. Allele origin: germline.

NM_001023.4(RPS20):c.4-16A>G

Gene: RPS20 (ribosomal protein S20; minus strand). Cytogenetic location: 8q12.1.
Variant type: single nucleotide variant.
Coding change: c.4-16A>G on transcript NM_001023.4 (MANE Select); 16 bases into the intron before coding-DNA position 4, A replaced by G.
Molecular consequence: intron variant.
Genome position (GRCh38, 1-based): chr8:56,074,175, T>C on the plus strand (A>G on the coding strand, the complement: RPS20 is on the minus strand). VCF-style: chr8-56074175-T-C. GRCh37 (hg19) VCF-style: chr8-56986734-T-C.
Other names: c.4-16A>G (NM_001146227.3).
Identifiers: ClinVar variation 1582140 (VCV001582140.11), dbSNP rs755008239, ClinGen allele CA4754483.
Genomic context (GRCh38, chr8:56,074,175, plus strand): 5'-TGCCACCTCCGGCTCCACGGGTGTTTTTCCGGTATCCTTAAAAGCCTATTATTAGATACA[T>C]GAAAAAGAACAATAAGCCAAAAATGGTCTGCCACTTCTGGAGAAAGGCAGCTTCCGGAAG-3'